The following is an entry in ClinVar:

NM_014476.6(PDLIM3):c.260dup (p.Leu87fs)

Gene: PDLIM3 (PDZ and LIM domain 3; minus strand). Cytogenetic location: 4q35.1.
Variant type: Duplication.
Coding change: c.260dup on transcript NM_014476.6 (MANE Select); coding-DNA position 260, one base duplicated (T; older notation c.260dupT).
Protein change: p.Leu87fs; shifts the reading frame from leucine 87.
Molecular consequence: frameshift variant. On other transcripts: non-coding transcript variant (1), intron variant (1).
Genome position (GRCh38, 1-based): chr4:185,523,432, A duplicated on the plus strand (T on the coding strand, the reverse complement: PDLIM3 is on the minus strand); the first of 2 consecutive A bases (chr4:185,523,432-185,523,433); duplicating either gives the same sequence. VCF-style (leftmost placement, unchanged base first): chr4-185523431-T-TA. GRCh37 (hg19) VCF-style: chr4-186444585-T-TA.
Other names: c.260dup, p.Leu87fs (NM_001114107.5, NM_001257962.2); c.94-9095dup (NM_001257963.2); short protein forms L87fs.
Identifiers: ClinVar variation 1494728 (VCV001494728.6), dbSNP rs2153337850, ClinGen allele CA2573138183.

ClinVar aggregate classification (germline): Uncertain significance (1 of 4 stars; one submission).

Conditions:
Primary dilated cardiomyopathy (DCM). Also called: Dilated Cardiomyopathy. Identifiers: Orphanet 217604, MedGen C0007193, MeSH D002311, MONDO:0005021, HP:0001644. Inheritance: Various modes of inheritance.
Hypertrophic cardiomyopathy. Also called: HYPERTROPHIC MYOCARDIOPATHY. Identifiers: Orphanet 217569, MedGen C0007194, MeSH D002312, MONDO:0005045, HP:0001639.

Submission:

Labcorp Genetics (formerly Invitae), Labcorp
Classification: Uncertain significance for Hypertrophic cardiomyopathy; Primary dilated cardiomyopathy. Last evaluated: 2022-03-19. Review status: criteria provided, single submitter. Criteria: Invitae Variant Classification Sherloc (09022015). Collection method: clinical testing. Allele origin: germline.
Comment: In summary, the available evidence is currently insufficient to determine the role of this variant in disease. Therefore, it has been classified as a Variant of Uncertain Significance. This variant has not been reported in the literature in individuals affected with PDLIM3-related conditions. This variant is not present in population databases (gnomAD no frequency). This sequence change creates a premature translational stop signal (p.Leu87Phefs*8) in the PDLIM3 gene. It is expected to result in an absent or disrupted protein product. However, the current clinical and genetic evidence is not sufficient to establish whether loss-of-function variants in PDLIM3 cause disease.